The following is an entry in ClinVar:

NM_000195.5(HPS1):c.1533-17C>T

Gene: HPS1 (HPS1 biogenesis of lysosomal organelles complex 3 subunit 1; minus strand). Cytogenetic location: 10q24.2.
Variant type: single nucleotide variant.
Coding change: c.1533-17C>T on transcript NM_000195.5 (MANE Select); 17 bases into the intron before coding-DNA position 1533, C replaced by T.
Molecular consequence: intron variant.
Genome position (GRCh38, 1-based): chr10:98,423,685, G>A on the plus strand (C>T on the coding strand, the complement: HPS1 is on the minus strand). VCF-style: chr10-98423685-G-A. GRCh37 (hg19) VCF-style: chr10-100183442-G-A.
Other names: c.1164-17C>T (NM_001322483.2, NM_001322484.2); c.1272-17C>T (NM_001322480.2, NM_001322481.2); c.1434-17C>T (NM_001322478.2, NM_001322479.2); c.1533-17C>T (NM_001322476.2, NM_001322477.2); c.1065-17C>T (NM_001322485.2); c.1173-17C>T (NM_001322482.2); c.561-17C>T (NM_001322489.2, NM_001311345.2, NM_001322487.2).
Identifiers: ClinVar variation 1663992 (VCV001663992.11), dbSNP rs187227619, ClinGen allele CA5638981.

ClinVar aggregate classification (germline): Likely benign. Review status: criteria provided, multiple submitters, no conflicts (2 of 4 stars). 3 submissions from 3 submitters: Likely benign (3). Last evaluated 2026-01-14.

Conditions:
Hermansky-Pudlak syndrome 1 (HPS1). Also called: DELTA STORAGE POOL DISEASE. Identifiers: Orphanet 231500, Orphanet 79430, MedGen C2931875, MONDO:0008748, OMIM 203300.

Allele frequency attached by ClinVar (database versions not stated): ESP Exome Variant Server 0.00008; 1000 Genomes Project 30x 0.00016.
gnomAD v4.1: 83 of 1,614,062 alleles (0.0051%); highest among the groups gnomAD compares: African/African-American, 0.008%; no homozygotes.

Submissions (3):

Labcorp Genetics (formerly Invitae), Labcorp
Classification: Likely benign. Last evaluated: 2026-01-14. Review status: criteria provided, single submitter. Criteria: Invitae Variant Classification Sherloc (09022015). Collection method: clinical testing. Allele origin: germline.

Women's Health and Genetics/Laboratory Corporation of America, LabCorp
Classification: Likely benign. Last evaluated: 2024-05-07. Review status: criteria provided, single submitter. Criteria: LabCorp Variant Classification Summary - May 2015. Collection method: clinical testing. Allele origin: germline.
Comment: Variant summary: HPS1 c.1533-17C>T alters a non-conserved nucleotide located at a position not widely known to affect splicing. Consensus agreement among computation tools predict no significant impact on normal splicing. However, these predictions have yet to be confirmed by functional studies. The variant allele was found at a frequency of 5.6e-05 in 251316 control chromosomes. This frequency is not significantly higher than estimated for a pathogenic variant in HPS1 causing Hermansky-Pudlak Syndrome (5.6e-05 vs 0.00096), allowing no conclusion about variant significance. To our knowledge, no occurrence of c.1533-17C>T in individuals affected with Hermansky-Pudlak Syndrome and no experimental evidence demonstrating its impact on protein function have been reported. ClinVar contains an entry for this variant (Variation ID: 1663992). Based on the evidence outlined above, the variant was classified as likely benign.

Fulgent Genetics
Classification: Likely benign for Hermansky-Pudlak syndrome 1. Last evaluated: 2022-05-20. Review status: criteria provided, single submitter. Criteria: ACMG Guidelines, 2015. Collection method: clinical testing. Allele origin: unknown.